The following is an entry in ClinVar:

ClinVar aggregate classification (germline): Uncertain significance. Review status: criteria provided, multiple submitters, no conflicts (2 of 4 stars). 5 submissions from 5 submitters: Uncertain significance (4). 1 of the submissions does not count toward it. Last evaluated 2025-06-11.

Submissions (5):

Quest Diagnostics Nichols Institute San Juan Capistrano
Classification: Uncertain significance. Last evaluated: 2025-06-11. Review status: criteria provided, single submitter. Criteria: Quest Diagnostics criteria. Collection method: clinical testing. Allele origin: unknown.
Comment: The RECQL c.132_135del (p.Lys45*) variant is predicted to cause the premature termination of RECQL protein synthesis. This variant has been reported in the published literature in individuals with breast cancer (PMID: 25915596 (2015), 33471991 (2021), see also LOVD) and prostate cancer (PMID: 32338768 (2020)). This variant has also been identified in reportedly unaffected individuals (PMID: 33471991 (2021), see also LOVD). The frequency of this variant in the general population (Genome Aggregation Database) is uninformative in the assessment of its pathogenicity. Since the available gene level evidence is currently insufficient to determine the role of this gene and variant in association with hereditary cancer predisposition (ClinGen Hereditary Cancer Gene Curation Expert Panel), we are unable to determine the clinical significance of this variant.

Labcorp Genetics (formerly Invitae), Labcorp
Classification: Uncertain significance. Last evaluated: 2024-09-29. Review status: criteria provided, single submitter. Criteria: Invitae Variant Classification Sherloc (09022015). Collection method: clinical testing. Allele origin: germline.
Comment: This sequence change creates a premature translational stop signal (p.Lys45*) in the RECQL gene. It is expected to result in an absent or disrupted protein product. However, the current clinical and genetic evidence is not sufficient to establish whether loss-of-function variants in RECQL cause disease. This variant is present in population databases (rs775055596, gnomAD 0.007%). This premature translational stop signal has been observed in individual(s) with breast cancer and/or prostate cancer (PMID: 25915596, 32338768). ClinVar contains an entry for this variant (Variation ID: 953353). In summary, the available evidence is currently insufficient to determine the role of this variant in disease. Therefore, it has been classified as a Variant of Uncertain Significance.

Ambry Genetics
Classification: Uncertain significance. Last evaluated: 2023-12-21. Review status: criteria provided, single submitter. Criteria: Ambry Variant Classification Scheme 2023. Collection method: clinical testing. Allele origin: germline.
Comment: The c.132_135delGAAA variant, located in coding exon 2 of the RECQL gene, results from a deletion of 4 nucleotides at nucleotide positions 132 to 135, causing a translational frameshift with a predicted alternate stop codon (p.K45*). This alteration is expected to result in loss of function by premature protein truncation or nonsense-mediated mRNA decay. The evidence for this gene-disease relationship is limited; therefore, the clinical significance of this alteration is unclear.

GeneDx
Classification: Uncertain significance. Last evaluated: 2023-07-27. Review status: criteria provided, single submitter. Criteria: GeneDx Variant Classification Process June 2021. Collection method: clinical testing. Allele origin: germline. Affected: yes.
Comment: Not observed at significant frequency in large population cohorts (gnomAD); Nonsense variant predicted to result in protein truncation or nonsense mediated decay in a gene or region of a gene for which loss of function is not an established mechanism of disease; Observed in individuals with breast or prostate cancer, but also in unaffected controls (Cybulski et al., 2015; Nguyen-Dumont et al., 2020; Dorling et al., 2021); Variants in candidate genes are classified as variants of uncertain significance in accordance with ACMG guidelines (Richards et al., 2015); This variant is associated with the following publications: (PMID: 32338768, 25915596, 33471991, 33804961)

Department of Pathology and Laboratory Medicine, Sinai Health System
Classification: Likely pathogenic. Review status: no assertion criteria provided. Collection method: clinical testing. Allele origin: unknown. Affected: yes. Study: The Canadian Open Genetics Repository (COGR). Not counted in ClinVar's aggregate classification.
Comment: The RECQL p.K45* variant was not identified in the literature nor was it identified in ClinVar or LOVD 3.0. The variant was identified in dbSNP (ID: rs775055596) and in control databases in 9 of 236492 chromosomes (1 female, 8 males) at a frequency of 0.00003806 (Genome Aggregation Database March 6, 2019, v2.1.1). The variant was observed in the following populations: European (non-Finnish) in 8 of 102454 chromosomes (freq: 0.000078) and African in 1 of 14874 chromosomes (freq: 0.000067), but was not observed in the Latino, Ashkenazi Jewish, East Asian, European (Finnish), Other, or South Asian populations. The c.132_135del variant leads to a premature stop codon at position 45 which is predicted to lead to a truncated or absent protein and loss of function. Loss of function variants of the RECQL gene have been suggested in the literature to contribute to breast cancer susceptibility (Banerjee_2015_PMID:26125302; Cybulski_2015_PMID:25915596). The variant occurs outside of the splicing consensus sequence and in silico or computational prediction software programs (SpliceSiteFinder, MaxEntScan, NNSPLICE, GeneSplicer) do not predict a difference in splicing. In summary, based on the above information the clinical significance of this variant cannot be determined with certainty at this time although we would lean towards a more pathogenic role for this variant. This variant is classified as likely pathogenic.

Literature cited by the submitters: PubMed 32338768 (cited by 3 submitters); PubMed 25915596 (cited by 3 submitters); PubMed 33471991 (cited by Quest Diagnostics Nichols Institute San Juan Capistrano and Ambry Genetics).

NM_002907.4(RECQL):c.132_135del (p.Lys44_Lys45insTer)

Gene: RECQL (RecQ like helicase; minus strand). Cytogenetic location: 12p12.1.
Variant type: Deletion.
Coding change: c.132_135del on transcript NM_002907.4 (MANE Select); coding-DNA positions 132 to 135, 4 bases deleted (GAAA; older notation c.132_135delGAAA).
Protein change: p.Lys44_Lys45insTer.
Molecular consequence: frameshift variant.
Genome position (GRCh38, 1-based): chr12:21,491,598-21,491,601, TTTC deleted on the plus strand (GAAA on the coding strand, the reverse complement: RECQL is on the minus strand); deleting any 4 consecutive bases within chr12:21,491,598-21,491,604 gives the same sequence; the c. name uses the placement nearest the transcript's 3' end. VCF-style (leftmost placement, unchanged base first): chr12-21491597-TTTTC-T. GRCh37 (hg19) VCF-style: chr12-21644531-TTTTC-T.
Other names: c.132_135del, p.Lys44_Lys45insTer (NM_032941.3); c.132_135delGAAA (NM_002907.3).
Identifiers: ClinVar variation 953353 (VCV000953353.21), dbSNP rs775055596, ClinGen allele CA6479195.